The following is an entry in ClinVar:

NM_032608.7(MYO18B):c.3124G>C (p.Glu1042Gln)

Gene: MYO18B (myosin XVIIIB; plus strand). Cytogenetic location: 22q12.1.
Variant type: single nucleotide variant.
Coding change: c.3124G>C on transcript NM_032608.7 (MANE Select); coding-DNA position 3124, G replaced by C.
Protein change: p.Glu1042Gln; replaces glutamic acid 1042 with glutamine.
Molecular consequence: missense variant.
Genome position (GRCh38, 1-based): chr22:25,835,359, G>C. VCF-style: chr22-25835359-G-C. GRCh37 (hg19) VCF-style: chr22-26231326-G-C.
Other names: c.3127G>C, p.Glu1043Gln (NM_001318245.2); short protein forms E1043Q, E1042Q.
Identifiers: ClinVar variation 2099583 (VCV002099583.4), dbSNP rs930514081, ClinGen allele CA322796320.

ClinVar aggregate classification (germline): Uncertain significance (1 of 4 stars; one submission).

Allele frequency attached by ClinVar (database versions not stated): gnomAD exomes below 0.00001; TOPMed 0.00001.
gnomAD v4.1: 1 of 1,614,002 alleles (0.000062%); highest among the groups gnomAD compares: Admixed American, 0.0017%; no homozygotes.

Submission:

Labcorp Genetics (formerly Invitae), Labcorp
Classification: Uncertain significance. Last evaluated: 2022-03-01. Review status: criteria provided, single submitter. Criteria: Invitae Variant Classification Sherloc (09022015). Collection method: clinical testing. Allele origin: germline.
Comment: In summary, the available evidence is currently insufficient to determine the role of this variant in disease. Therefore, it has been classified as a Variant of Uncertain Significance. This sequence change replaces glutamic acid, which is acidic and polar, with glutamine, which is neutral and polar, at codon 1042 of the MYO18B protein (p.Glu1042Gln). This variant is present in population databases (no rsID available, gnomAD 0.003%). This variant has not been reported in the literature in individuals affected with MYO18B-related conditions. Algorithms developed to predict the effect of missense changes on protein structure and function are either unavailable or do not agree on the potential impact of this missense change (SIFT: "Not Available"; PolyPhen-2: "Probably Damaging"; Align-GVGD: "Not Available").